The following is an entry in ClinVar:

NM_014159.7(SETD2):c.133A>G (p.Met45Val)

Gene: SETD2 (SET domain containing 2, histone lysine methyltransferase; minus strand). Cytogenetic location: 3p21.31.
Variant type: single nucleotide variant.
Coding change: c.133A>G on transcript NM_014159.7 (MANE Select); coding-DNA position 133, A replaced by G.
Protein change: p.Met45Val; replaces methionine 45 with valine.
Molecular consequence: missense variant. On other transcripts: initiator codon variant (1), non-coding transcript variant (1).
Genome position (GRCh38, 1-based): chr3:47,124,503, T>C on the plus strand (A>G on the coding strand, the complement: SETD2 is on the minus strand). VCF-style: chr3-47124503-T-C. GRCh37 (hg19) VCF-style: chr3-47165993-T-C.
Other names: c.1A>G, p.Met1Val (NM_001349370.3); short protein forms M1V, M45V.
Identifiers: ClinVar variation 2058416 (VCV002058416.5), dbSNP rs568718208, ClinGen allele CA2363763.
Genomic context (GRCh38, chr3:47,124,503, plus strand): 5'-AATTAACTTTTGTTTTGGTGCCTTTGGGCAAAAATCGACTAGAAGCAACACCTTTGAACA[T>C]TGGTCCTTTGATGAAACCTGTTTTCTGCACATTTTCAATCTTTGCCTACAAATGAACAAA-3'
Protein context (NP_054878.5, residues 35-55): VQKTGFIKGP[Met45Val]FKGVASSRFL

ClinVar aggregate classification (germline): Uncertain significance (1 of 4 stars; one submission).

Conditions:
Luscan-Lumish syndrome. Identifiers: Orphanet 597738, MedGen C4085873, MONDO:0014791, OMIM 616831.

Allele frequency attached by ClinVar (database versions not stated): ExAC 0.00014; gnomAD 0.00014; 1000 Genomes Project 0.00020; TOPMed 0.00007; 1000 Genomes Project 30x 0.00016; gnomAD exomes 0.00005.
gnomAD v4.1: 92 of 1,550,036 alleles (0.0059%); highest among the groups gnomAD compares: East Asian, 0.017%; no homozygotes.

Submission:

Labcorp Genetics (formerly Invitae), Labcorp
Classification: Uncertain significance for Luscan-Lumish syndrome. Last evaluated: 2022-06-22. Review status: criteria provided, single submitter. Criteria: Invitae Variant Classification Sherloc (09022015). Collection method: clinical testing. Allele origin: germline.
Comment: Algorithms developed to predict the effect of missense changes on protein structure and function output the following: SIFT: "Tolerated"; PolyPhen-2: "Benign"; Align-GVGD: "Class C0". The valine amino acid residue is found in multiple mammalian species, which suggests that this missense change does not adversely affect protein function. This variant has not been reported in the literature in individuals affected with SETD2-related conditions. This variant is present in population databases (rs568718208, gnomAD 0.07%), and has an allele count higher than expected for a pathogenic variant. This sequence change replaces methionine, which is neutral and non-polar, with valine, which is neutral and non-polar, at codon 45 of the SETD2 protein (p.Met45Val). In summary, the available evidence is currently insufficient to determine the role of this variant in disease. Therefore, it has been classified as a Variant of Uncertain Significance.